The following is an entry in ClinVar:

ClinVar aggregate classification (germline): Uncertain significance. Review status: criteria provided, multiple submitters, no conflicts (2 of 4 stars). 2 submissions from 2 submitters: Uncertain significance (2). Last evaluated 2024-12-02.

Conditions:
Inborn genetic diseases. Identifiers: MedGen C0950123, MeSH D030342.
Alpha-methylacyl-CoA racemase deficiency (AMACRD). Also called: AMACR deficiency. Identifiers: Orphanet 79095, MedGen C3280428, MONDO:0013681, OMIM 614307. Disease mechanism: loss of function.

Allele frequency attached by ClinVar (database versions not stated): gnomAD 0.00001; gnomAD exomes 0.00003; TOPMed 0.00005.
gnomAD v4.1: 44 of 1,613,970 alleles (0.0027%); highest among the groups gnomAD compares: Admixed American, 0.02%; no homozygotes.

Submissions (2):

Ambry Genetics
Classification: Uncertain significance for Inborn genetic diseases. Last evaluated: 2024-12-02. Review status: criteria provided, single submitter. Criteria: Ambry Variant Classification Scheme 2023. Collection method: clinical testing. Allele origin: germline.

Labcorp Genetics (formerly Invitae), Labcorp
Classification: Uncertain significance for Alpha-methylacyl-CoA racemase deficiency. Last evaluated: 2022-09-07. Review status: criteria provided, single submitter. Criteria: Invitae Variant Classification Sherloc (09022015). Collection method: clinical testing. Allele origin: germline.
Comment: This sequence change replaces aspartic acid, which is acidic and polar, with valine, which is neutral and non-polar, at codon 322 of the AMACR protein (p.Asp322Val). This variant is present in population databases (rs575263204, gnomAD 0.03%). This variant has not been reported in the literature in individuals affected with AMACR-related conditions. ClinVar contains an entry for this variant (Variation ID: 1427040). Algorithms developed to predict the effect of missense changes on protein structure and function output the following: SIFT: "Tolerated"; PolyPhen-2: "Benign"; Align-GVGD: "Class C0". The valine amino acid residue is found in multiple mammalian species, which suggests that this missense change does not adversely affect protein function. In summary, the available evidence is currently insufficient to determine the role of this variant in disease. Therefore, it has been classified as a Variant of Uncertain Significance.

NM_014324.6(AMACR):c.965A>T (p.Asp322Val)

Genes: AMACR (alpha-methylacyl-CoA racemase; minus strand), C1QTNF3-AMACR (C1QTNF3-AMACR readthrough (NMD candidate); minus strand). Cytogenetic location: 5p13.2.
Variant type: single nucleotide variant.
Coding change: c.965A>T on transcript NM_014324.6 (MANE Select); coding-DNA position 965, A replaced by T.
Protein change: p.Asp322Val; replaces aspartic acid 322 with valine.
Molecular consequence: missense variant. On other transcripts: 3 prime UTR variant (1), non-coding transcript variant (1).
Genome position (GRCh38, 1-based): chr5:33,989,277, T>A on the plus strand (A>T on the coding strand, the complement: AMACR is on the minus strand). VCF-style: chr5-33989277-T-A. GRCh37 (hg19) VCF-style: chr5-33989382-T-A.
Other names: c.965A>T, p.Asp322Val (NM_001167595.2); c.*207A>T (NM_203382.3); c.965A>T (NM_014324.5); short protein forms D322V.
Identifiers: ClinVar variation 1427040 (VCV001427040.4), dbSNP rs575263204, ClinGen allele CA3225986.